The following is an entry in ClinVar:

NM_000211.5(ITGB2):c.1543G>A (p.Gly515Arg)

Gene: ITGB2 (integrin subunit beta 2; minus strand). Cytogenetic location: 21q22.3.
Variant type: single nucleotide variant.
Coding change: c.1543G>A on transcript NM_000211.5 (MANE Select); coding-DNA position 1543, G replaced by A.
Protein change: p.Gly515Arg; replaces glycine 515 with arginine.
Molecular consequence: missense variant.
Genome position (GRCh38, 1-based): chr21:44,890,092, C>T on the plus strand (G>A on the coding strand, the complement: ITGB2 is on the minus strand). VCF-style: chr21-44890092-C-T. GRCh37 (hg19) VCF-style: chr21-46310007-C-T.
Other names: c.1543G>A, p.Gly515Arg (NM_001127491.3); c.1336G>A, p.Gly446Arg (NM_001303238.2); short protein forms G446R, G515R.
Identifiers: ClinVar variation 4750977 (VCV004750977.1).
Genomic context (GRCh38, chr21:44,890,092, plus strand): 5'-CGCAGTACTGCCCGTATATCAGCTTGCCGGGGACGTCGCTGGTGTGGCACAGGCACTGCC[C>T]GCAGACACAGTCCCCCAGCCCTGAGCAGATGATGGAGTTGTTGTCCTTCCGGCAGCTTCC-3'
Protein context (NP_000202.3, residues 505-525): ICSGLGDCVC[Gly515Arg]QCLCHTSDVP

ClinVar aggregate classification (germline): Uncertain significance (1 of 4 stars; one submission).

Conditions:
Leukocyte adhesion deficiency 1 (LAD1). Also called: LAD 1; Lymphocyte function-associated antigen 1 immunodeficiency; LFA 1 immunodeficiency; LEUKOCYTE ADHESION DEFICIENCY, TYPE I. Identifiers: Orphanet 2968, Orphanet 99842, MedGen C0398738, MONDO:0007293, OMIM 116920.

gnomAD v4.1: 18 of 1,613,450 alleles (0.0011%); highest among the groups gnomAD compares: Admixed American, 0.01%; no homozygotes.

Submission:

Labcorp Genetics (formerly Invitae), Labcorp
Classification: Uncertain significance for Leukocyte adhesion deficiency 1. Last evaluated: 2025-08-26. Review status: criteria provided, single submitter. Criteria: Invitae Variant Classification Sherloc (09022015). Collection method: clinical testing. Allele origin: germline.
Comment: This sequence change replaces glycine, which is neutral and non-polar, with arginine, which is basic and polar, at codon 515 of the ITGB2 protein (p.Gly515Arg). This variant is present in population databases (rs550491140, gnomAD 0.009%). This variant has not been reported in the literature in individuals affected with ITGB2-related conditions. Invitae Evidence Modeling of protein sequence and biophysical properties (such as structural, functional, and spatial information, amino acid conservation, physicochemical variation, residue mobility, and thermodynamic stability) has been performed for this missense variant. However, the output from this modeling did not meet the statistical confidence thresholds required to predict the impact of this variant on ITGB2 protein function. In summary, the available evidence is currently insufficient to determine the role of this variant in disease. Therefore, it has been classified as a Variant of Uncertain Significance.